The following is an entry in ClinVar:

NM_001035.3(RYR2):c.3716T>A (p.Phe1239Tyr)

Gene: RYR2 (ryanodine receptor 2; plus strand). Cytogenetic location: 1q43.
Variant type: single nucleotide variant.
Coding change: c.3716T>A on transcript NM_001035.3 (MANE Select); coding-DNA position 3716, T replaced by A.
Protein change: p.Phe1239Tyr; replaces phenylalanine 1239 with tyrosine.
Molecular consequence: missense variant.
Genome position (GRCh38, 1-based): chr1:237,589,910, T>A. VCF-style: chr1-237589910-T-A. GRCh37 (hg19) VCF-style: chr1-237753210-T-A.
Other names: short protein forms F1239Y.
Identifiers: ClinVar variation 3385713 (VCV003385713.1).

ClinVar aggregate classification (germline): Uncertain significance (1 of 4 stars; one submission).

Conditions:
Catecholaminergic polymorphic ventricular tachycardia (CVPT). Also called: Catecholamine-induced polymorphic ventricular tachycardia. Identifiers: Orphanet 3286, MedGen C5574922, MONDO:0017990.

Submission:

All of Us Research Program, National Institutes of Health
Classification: Uncertain significance for Catecholaminergic polymorphic ventricular tachycardia. Last evaluated: 2024-08-13. Review status: criteria provided, single submitter. Criteria: ACMG Guidelines, 2015. Collection method: clinical testing. Allele origin: germline. Inheritance: Autosomal dominant inheritance. Observed: 1 variant allele, 1 heterozygote.
Comment: This missense variant replaces phenylalanine with tyrosine at codon 1239 of the RYR2 protein. Computational prediction is inconclusive regarding the impact of this variant on protein structure and function (internally defined REVEL score threshold 0.5 < inconclusive < 0.7, PMID: 27666373). To our knowledge, functional studies have not been reported for this variant. This variant has not been reported in individuals affected with RYR2-related disorders in the literature. This variant has not been identified in the general population by the Genome Aggregation Database (gnomAD). The available evidence is insufficient to determine the role of this variant in disease conclusively. Therefore, this variant is classified as a Variant of Uncertain Significance.

This study involves interpretation of variants in research participants for the purpose of population health screening. Participant phenotype was not available at the time of variant classification. Additional details can be found in publication PMID: 35346344, PMCID: PMC8962531